The following is an entry in ClinVar:

ClinVar aggregate classification (germline): Pathogenic. Review status: criteria provided, single submitter (1 of 4 stars). 2 submissions from 2 submitters: Pathogenic (1). 1 of the submissions does not count toward it. Last evaluated 2025-05-21.

Conditions:
Neurofibromatosis, type 1 (NF1). Also called: Neurofibromatosis, type I; NEUROFIBROMATOSIS, TYPE I, SOMATIC; Peripheral type neurofibromatosis; VON RECKLINGHAUSEN DISEASE. Identifiers: Orphanet 636, MedGen C0027831, MONDO:0018975, OMIM 162200. Disease mechanism: loss of function.

Submissions (2):

Labcorp Genetics (formerly Invitae), Labcorp
Classification: Pathogenic for Neurofibromatosis, type 1. Last evaluated: 2025-05-21. Review status: criteria provided, single submitter. Criteria: Invitae Variant Classification Sherloc (09022015). Collection method: clinical testing. Allele origin: germline.
Comment: This sequence change creates a premature translational stop signal (p.Phe201Leufs*4) in the NF1 gene. It is expected to result in an absent or disrupted protein product. Loss-of-function variants in NF1 are known to be pathogenic (PMID: 10712197, 23913538). This variant is not present in population databases (gnomAD no frequency). This premature translational stop signal has been observed in individual(s) with neurofibromatosis type I (PMID: 28961165). ClinVar contains an entry for this variant (Variation ID: 431566). For these reasons, this variant has been classified as Pathogenic.

Medical Genetics, University of Parma
Classification: Pathogenic for Neurofibromatosis type 1. Last evaluated: 2017-02-02. Review status: no assertion criteria provided. Collection method: clinical testing. Allele origin: germline. Affected: yes. Not counted in ClinVar's aggregate classification.

Literature cited by the submitters: PubMed 10712197 (cited by Labcorp Genetics (formerly Invitae), Labcorp); PubMed 23913538 (cited by Labcorp Genetics (formerly Invitae), Labcorp); PubMed 28961165 (cited by Labcorp Genetics (formerly Invitae), Labcorp).

NM_001042492.3(NF1):c.603del (p.Phe201fs)

Gene: NF1 (neurofibromin 1; plus strand). Cytogenetic location: 17q11.2.
Variant type: Deletion.
Coding change: c.603del on transcript NM_001042492.3 (MANE Select); coding-DNA position 603, one base deleted (T; older notation c.603delT).
Protein change: p.Phe201fs; shifts the reading frame from phenylalanine 201.
Molecular consequence: frameshift variant.
Genome position (GRCh38, 1-based): chr17:31,181,438, T deleted; the last of 3 consecutive T bases (chr17:31,181,436-31,181,438); deleting any one gives the same sequence. VCF-style (leftmost placement, unchanged base first): chr17-31181435-AT-A. GRCh37 (hg19) VCF-style: chr17-29508453-AT-A.
Other names: c.603delT, p.Phe201Leufs (NM_000267.4, NM_001042492.2); c.603del, p.Phe201fs (NM_001128147.3); short protein forms F201fs.
Identifiers: ClinVar variation 431566 (VCV000431566.2), dbSNP rs1135402792, ClinGen allele CA645372610.